The following is an entry in ClinVar:

ClinVar aggregate classification (germline): Pathogenic (1 of 4 stars; one submission).

Conditions:
LAMA2-related muscular dystrophy (LAMA2-RD). Also called: Laminin alpha 2-related dystrophy. Identifiers: MedGen C5679788, MONDO:0100228.

Submission:

Labcorp Genetics (formerly Invitae), Labcorp
Classification: Pathogenic for LAMA2-related muscular dystrophy. Last evaluated: 2022-11-16. Review status: criteria provided, single submitter. Criteria: Invitae Variant Classification Sherloc (09022015). Collection method: clinical testing. Allele origin: germline.
Comment: ClinVar contains an entry for this variant (Variation ID: 1433408). For these reasons, this variant has been classified as Pathogenic. This premature translational stop signal has been observed in individual(s) with clinical features of LAMA2-related conditions (PMID: 29376585, 30055037). In at least one individual the data is consistent with being in trans (on the opposite chromosome) from a pathogenic variant. This variant is not present in population databases (gnomAD no frequency). This sequence change creates a premature translational stop signal (p.Cys1125Metfs*4) in the LAMA2 gene. It is expected to result in an absent or disrupted protein product. Loss-of-function variants in LAMA2 are known to be pathogenic (PMID: 18700894, 32904964).

Literature cited by the submitters: PubMed 29376585; PubMed 30055037; PubMed 18700894; PubMed 32904964.

NM_000426.4(LAMA2):c.3372dup (p.Cys1125fs)

Gene: LAMA2 (laminin subunit alpha 2; plus strand). Cytogenetic location: 6q22.33.
Variant type: Duplication.
Coding change: c.3372dup on transcript NM_000426.4 (MANE Select); coding-DNA position 3372, one base duplicated (A; older notation c.3372dupA).
Protein change: p.Cys1125fs; shifts the reading frame from cysteine 1125.
Molecular consequence: frameshift variant.
Genome position (GRCh38, 1-based): chr6:129,313,058, A duplicated; the last of 6 consecutive A bases (chr6:129,313,053-129,313,058); duplicating any one gives the same sequence. VCF-style (leftmost placement, unchanged base first): chr6-129313052-T-TA. GRCh37 (hg19) VCF-style: chr6-129634197-T-TA.
Other names: c.3372dup, p.Cys1125fs (NM_001079823.2); short protein forms C1125fs.
Identifiers: ClinVar variation 1433408 (VCV001433408.6), dbSNP rs1361925574, ClinGen allele CA645546654.